The following is an entry in ClinVar:

NM_004281.4(BAG3):c.778C>A (p.Leu260Met)

Gene: BAG3 (BAG cochaperone 3; plus strand). Cytogenetic location: 10q26.11.
Variant type: single nucleotide variant.
Coding change: c.778C>A on transcript NM_004281.4 (MANE Select); coding-DNA position 778, C replaced by A.
Protein change: p.Leu260Met; replaces leucine 260 with methionine.
Molecular consequence: missense variant.
Genome position (GRCh38, 1-based): chr10:119,672,525, C>A. VCF-style: chr10-119672525-C-A. GRCh37 (hg19) VCF-style: chr10-121432037-C-A.
Other names: short protein forms L260M.
Identifiers: ClinVar variation 5032693 (VCV005032693.1).

ClinVar aggregate classification (germline): Uncertain significance (1 of 4 stars; one submission).

Conditions:
Cardiovascular phenotype. Identifiers: MedGen CN230736.

Submission:

Ambry Genetics
Classification: Uncertain significance for Cardiovascular phenotype. Last evaluated: 2026-07-21. Review status: criteria provided, single submitter. Criteria: Ambry Variant Classification Scheme 2023. Collection method: clinical testing. Allele origin: germline.
Comment: The p.L260M variant (also known as c.778C>A), located in coding exon 3 of the BAG3 gene, results from a C to A substitution at nucleotide position 778. The leucine at codon 260 is replaced by methionine, an amino acid with highly similar properties. This amino acid position is conserved. In addition, this alteration is predicted to be tolerated by in silico analysis. Based on the available evidence, the clinical significance of this variant remains unclear.